The following is an entry in ClinVar:

NM_001242896.3(DEPDC5):c.3730T>C (p.Ser1244Pro)

Gene: DEPDC5 (DEP domain containing 5, GATOR1 subcomplex subunit; plus strand). Cytogenetic location: 22q12.3.
Variant type: single nucleotide variant.
Coding change: c.3730T>C on transcript NM_001242896.3 (MANE Select); coding-DNA position 3730, T replaced by C.
Protein change: p.Ser1244Pro; replaces serine 1244 with proline.
Molecular consequence: missense variant. On other transcripts: non-coding transcript variant (2).
Genome position (GRCh38, 1-based): chr22:31,876,190, T>C. VCF-style: chr22-31876190-T-C. GRCh37 (hg19) VCF-style: chr22-32272176-T-C.
Other names: c.3703T>C, p.Ser1235Pro (NM_001136029.4); c.3430T>C, p.Ser1144Pro (NM_001242897.2); c.3664T>C, p.Ser1222Pro (NM_001363852.2, NM_001364320.2); c.3496T>C, p.Ser1166Pro (NM_001363854.2, NM_001364319.2); c.3730T>C, p.Ser1244Pro (NM_001364318.2); c.3646T>C, p.Ser1216Pro (NM_001369901.1, NM_001369902.1); c.3637T>C, p.Ser1213Pro (NM_001369903.1, NM_014662.6); short protein forms S1166P, S1216P, S1222P, S1213P, S1244P, S1144P, S1235P.
Identifiers: ClinVar variation 2809361 (VCV002809361.3), dbSNP rs1433094505, ClinGen allele CA411279469.

ClinVar aggregate classification (germline): Uncertain significance (1 of 4 stars; one submission).

Conditions:
Familial focal epilepsy with variable foci (FPEVF). Identifiers: Orphanet 98820, MedGen C1858477, MONDO:0020310.

Allele frequency attached by ClinVar (database versions not stated): gnomAD 0.00001; TOPMed 0.00001.
gnomAD v4.1: 2 of 1,614,040 alleles (0.00012%); highest among the groups gnomAD compares: African/African-American, 0.0027%; no homozygotes.

Submission:

Labcorp Genetics (formerly Invitae), Labcorp
Classification: Uncertain significance for Familial focal epilepsy with variable foci. Last evaluated: 2023-12-05. Review status: criteria provided, single submitter. Criteria: Invitae Variant Classification Sherloc (09022015). Collection method: clinical testing. Allele origin: germline.
Comment: This sequence change replaces serine, which is neutral and polar, with proline, which is neutral and non-polar, at codon 1244 of the DEPDC5 protein (p.Ser1244Pro). This variant is not present in population databases (gnomAD no frequency). This variant has not been reported in the literature in individuals affected with DEPDC5-related conditions. Experimental studies and prediction algorithms are not available or were not evaluated, and the functional significance of this variant is currently unknown. In summary, the available evidence is currently insufficient to determine the role of this variant in disease. Therefore, it has been classified as a Variant of Uncertain Significance.